The following is an entry in ClinVar:

NM_003743.5(NCOA1):c.1056A>G (p.Pro352=)

Gene: NCOA1 (nuclear receptor coactivator 1; plus strand). Cytogenetic location: 2p23.3.
Variant type: single nucleotide variant.
Coding change: c.1056A>G on transcript NM_003743.5 (MANE Select); coding-DNA position 1056, A replaced by G.
Protein change: p.Pro352=; no amino-acid change (proline 352 retained).
Molecular consequence: synonymous variant.
Genome position (GRCh38, 1-based): chr2:24,705,192, A>G. VCF-style: chr2-24705192-A-G. GRCh37 (hg19) VCF-style: chr2-24928061-A-G.
Other names: c.1056A>G, p.Pro352= (NM_001362950.1, NM_001362952.1, NM_001362954.1 and 3 more transcripts).
Identifiers: ClinVar variation 3350413 (VCV003350413.1).
Genomic context (GRCh38, chr2:24,705,192, plus strand): 5'-GAATGATGGGACAATGCTTAGCGCCCACACCAAGTGTAAACTTTGCTACCCTCAAAGTCC[A>G]GACATGCAACCTTTCATCATGGGAATTCATATCATCGACAGGTACTACTTATTTGGAGAG-3'
Protein context (NP_003734.3, residues 342-362): TKCKLCYPQS[Pro352=]DMQPFIMGIH

ClinVar aggregate classification (germline): Likely benign (0 of 4 stars; one submission).

Conditions:
NCOA1-related disorder. Also called: NCOA1-related condition.

gnomAD v4.1: 8 of 1,613,954 alleles (0.0005%); highest among the groups gnomAD compares: African/African-American, 0.0013%; no homozygotes.

Submission:

PreventionGenetics, part of Exact Sciences
Classification: Likely benign for NCOA1-related condition. Last evaluated: 2021-09-10. Review status: no assertion criteria provided. Collection method: clinical testing. Allele origin: germline.
Comment: This variant is classified as likely benign based on ACMG/AMP sequence variant interpretation guidelines (Richards et al. 2015 PMID: 25741868, with internal and published modifications).